The following is an entry in ClinVar:

ClinVar aggregate classification (germline): Uncertain significance (1 of 4 stars; one submission).

Submission:

GeneDx
Classification: Uncertain significance. Last evaluated: 2026-01-15. Review status: criteria provided, single submitter. Criteria: GeneDx Variant Classification Process June 2021. Collection method: clinical testing. Allele origin: germline.
Comment: Not observed at significant frequency in large population cohorts (gnomAD); Missense variants in this gene are a common cause of disease and they are underrepresented in the general population; In silico analysis supports that this missense variant has a deleterious effect on protein structure/function; Has not been previously published as pathogenic or benign to our knowledge

NM_006009.4(TUBA1A):c.128G>A (p.Gly43Glu)

Gene: TUBA1A (tubulin alpha 1a; minus strand). Cytogenetic location: 12q13.12.
Variant type: single nucleotide variant.
Coding change: c.128G>A on transcript NM_006009.4 (MANE Select); coding-DNA position 128, G replaced by A.
Protein change: p.Gly43Glu; replaces glycine 43 with glutamic acid.
Molecular consequence: missense variant.
Genome position (GRCh38, 1-based): chr12:49,186,709, C>T on the plus strand (G>A on the coding strand, the complement: TUBA1A is on the minus strand). VCF-style: chr12-49186709-C-T. GRCh37 (hg19) VCF-style: chr12-49580492-C-T.
Other names: c.128G>A, p.Gly43Glu (NM_001270399.2); c.23G>A, p.Gly8Glu (NM_001270400.2); short protein forms G43E, G8E.
Identifiers: ClinVar variation 3769717 (VCV003769717.2).
Genomic context (GRCh38, chr12:49,186,709, plus strand): 5'-GGCACATGCTTGCCAGCCCCCGTCTCACTGAAGAAGGTGTTGAAGGAATCATCTCCTCCC[C>T]CAATGGTCTTGTCACTTGGCATCTGGCCATCGGGCTGGATGCCGTGTTCCAGGCAGTAGA-3'
Protein context (NP_006000.2, residues 33-53): DGQMPSDKTI[Gly43Glu]GGDDSFNTFF